The following is an entry in ClinVar:

ClinVar aggregate classification (germline): Uncertain significance (1 of 4 stars; one submission).

gnomAD v4.1: 1 of 1,614,152 alleles (0.000062%); highest among the groups gnomAD compares: Non-Finnish European, 0.000085%; no homozygotes.

Submission:

Labcorp Genetics (formerly Invitae), Labcorp
Classification: Uncertain significance. Last evaluated: 2025-12-03. Review status: criteria provided, single submitter. Criteria: Invitae Variant Classification Sherloc (09022015). Collection method: clinical testing. Allele origin: germline.
Comment: This sequence change replaces proline, which is neutral and non-polar, with histidine, which is basic and polar, at codon 2479 of the FLNB protein (p.Pro2479His). This variant is not present in population databases (gnomAD no frequency). This variant has not been reported in the literature in individuals affected with FLNB-related conditions. Invitae Evidence Modeling of protein sequence and biophysical properties (such as structural, functional, and spatial information, amino acid conservation, physicochemical variation, residue mobility, and thermodynamic stability) indicates that this missense variant is not expected to disrupt FLNB protein function with a negative predictive value of 95%. In summary, the available evidence is currently insufficient to determine the role of this variant in disease. Therefore, it has been classified as a Variant of Uncertain Significance.

NM_001457.4(FLNB):c.7436C>A (p.Pro2479His)

Genes: FLNB (filamin B; plus strand), FLNB-AS1 (FLNB antisense RNA 1; minus strand). Cytogenetic location: 3p14.3.
Variant type: single nucleotide variant.
Coding change: c.7436C>A on transcript NM_001457.4 (MANE Select); coding-DNA position 7436, C replaced by A.
Protein change: p.Pro2479His; replaces proline 2479 with histidine.
Molecular consequence: missense variant.
Genome position (GRCh38, 1-based): chr3:58,169,608, C>A. VCF-style: chr3-58169608-C-A. GRCh37 (hg19) VCF-style: chr3-58155335-C-A.
Other names: c.7529C>A, p.Pro2510His (NM_001164317.2); c.7403C>A, p.Pro2468His (NM_001164318.2); c.7364C>A, p.Pro2455His (NM_001164319.2); short protein forms P2455H, P2468H, P2479H, P2510H.
Identifiers: ClinVar variation 4799249 (VCV004799249.1).